The following is an entry in ClinVar:

NM_000038.6(APC):c.1106T>A (p.Leu369Ter)

Gene: APC (APC regulator of Wnt signaling pathway; plus strand). Cytogenetic location: 5q22.2.
Variant type: single nucleotide variant.
Coding change: c.1106T>A on transcript NM_000038.6 (MANE Select); coding-DNA position 1106, T replaced by A.
Protein change: p.Leu369Ter; replaces leucine 369 with a stop codon.
Molecular consequence: nonsense. On other transcripts: intron variant (4).
Genome position (GRCh38, 1-based): chr5:112,819,138, T>A. VCF-style: chr5-112819138-T-A. GRCh37 (hg19) VCF-style: chr5-112154835-T-A.
Other names: c.1106T>A, p.Leu369Ter (NM_001127510.3, NM_001354895.2, NM_001354896.2); c.1052T>A, p.Leu351Ter (NM_001127511.3); c.1136T>A, p.Leu379Ter (NM_001354897.2); c.1031T>A, p.Leu344Ter (NM_001354898.2); c.1022T>A, p.Leu341Ter (NM_001354899.2); c.929T>A, p.Leu310Ter (NM_001354900.2, NM_001354901.2); c.257T>A, p.Leu86Ter (NM_001354906.2); c.964-131T>A (NM_001354902.2); and 3 more; short protein forms L341*, L86*, L310*, L369*, L344*, L351*, L379*.
Identifiers: ClinVar variation 1360942 (VCV001360942.7), dbSNP rs2149781233, ClinGen allele CA16023734.

ClinVar aggregate classification (germline): Pathogenic. Review status: criteria provided, multiple submitters, no conflicts (2 of 4 stars). 2 submissions from 2 submitters: Pathogenic (2). Last evaluated 2023-04-28.

Conditions:
Familial adenomatous polyposis 1 (FAP1). Also called: FAMILIAL ADENOMATOUS POLYPOSIS 1, ATTENUATED; POLYPOSIS, ADENOMATOUS INTESTINAL. Identifiers: MedGen C2713442, MONDO:0021056, OMIM 175100. Disease mechanism: loss of function.

Submissions (2):

Myriad Genetics, Inc.
Classification: Pathogenic for Familial adenomatous polyposis 1. Last evaluated: 2023-04-28. Review status: criteria provided, single submitter. Criteria: Myriad Autosomal Dominant, Autosomal Recessive and X-Linked Classification Criteria (2023). Collection method: clinical testing. Allele origin: unknown.
Comment: This variant is considered pathogenic. This variant creates a termination codon and is predicted to result in premature protein truncation.

Labcorp Genetics (formerly Invitae), Labcorp
Classification: Pathogenic for Familial adenomatous polyposis 1. Last evaluated: 2023-04-01. Review status: criteria provided, single submitter. Criteria: Invitae Variant Classification Sherloc (09022015). Collection method: clinical testing. Allele origin: germline.
Comment: This sequence change creates a premature translational stop signal (p.Leu369*) in the APC gene. It is expected to result in an absent or disrupted protein product. Loss-of-function variants in APC are known to be pathogenic (PMID: 17963004, 20685668). For these reasons, this variant has been classified as Pathogenic. Algorithms developed to predict the effect of sequence changes on RNA splicing suggest that this variant may disrupt the consensus splice site. ClinVar contains an entry for this variant (Variation ID: 1360942). This variant has not been reported in the literature in individuals affected with APC-related conditions. This variant is not present in population databases (gnomAD no frequency).

Literature cited by the submitters: PubMed 17963004 (cited by Labcorp Genetics (formerly Invitae), Labcorp); PubMed 20685668 (cited by Labcorp Genetics (formerly Invitae), Labcorp).